The following is an entry in ClinVar:

ClinVar aggregate classification (germline): Uncertain significance (1 of 4 stars; one submission).

Submission:

Labcorp Genetics (formerly Invitae), Labcorp
Classification: Uncertain significance. Last evaluated: 2021-03-25. Review status: criteria provided, single submitter. Criteria: Invitae Variant Classification Sherloc (09022015). Collection method: clinical testing. Allele origin: germline.
Comment: In summary, the available evidence is currently insufficient to determine the role of this variant in disease. Therefore, it has been classified as a Variant of Uncertain Significance. Experimental studies and prediction algorithms are not available or were not evaluated, and the functional significance of this variant is currently unknown. This variant has not been reported in the literature in individuals with CFH-related conditions. A copy number gain of the genomic region encompassing the full coding sequence of the CFH gene has been identified. The boundaries of this event are unknown as they extend beyond the assayed region for this gene and therefore may encompass additional genes. As the precise location of this event is unknown, it may be in tandem or it may be located elsewhere in the genome.

NC_000001.10:g.(?_196621248)_(197447009_?)dup

Genes: CFHR3 (complement factor H related 3; plus strand), CFHR5 (complement factor H related 5; plus strand), CRB1 (crumbs cell polarity complex component 1; plus strand), CFHR4 (complement factor H related 4; plus strand), ASPM (assembly factor for spindle microtubules; minus strand) and 5 more. Cytogenetic location: 1q31.3.
Variant type: Duplication.
Identifiers: ClinVar variation 1446722 (VCV001446722.5).